The following is an entry in ClinVar:

ClinVar aggregate classification (germline): Uncertain significance (1 of 4 stars; one submission).

Conditions:
Developmental and epileptic encephalopathy, 34 (DEE34). Also called: Early infantile epileptic encephalopathy 34; SLC12A5-Related Epilepsy of Infancy with Migrating Focal Seizures. Identifiers: Orphanet 293181, MedGen C4225257, MONDO:0014718, OMIM 616645.

Submission:

Labcorp Genetics (formerly Invitae), Labcorp
Classification: Uncertain significance for Developmental and epileptic encephalopathy, 34. Last evaluated: 2022-11-29. Review status: criteria provided, single submitter. Criteria: Invitae Variant Classification Sherloc (09022015). Collection method: clinical testing. Allele origin: germline.
Comment: In summary, the available evidence is currently insufficient to determine the role of this variant in disease. Therefore, it has been classified as a Variant of Uncertain Significance. Advanced modeling of protein sequence and biophysical properties (such as structural, functional, and spatial information, amino acid conservation, physicochemical variation, residue mobility, and thermodynamic stability) performed at Invitae indicates that this missense variant is not expected to disrupt SLC12A5 protein function. ClinVar contains an entry for this variant (Variation ID: 643672). This variant has not been reported in the literature in individuals affected with SLC12A5-related conditions. This variant is present in population databases (rs754601939, gnomAD 0.007%). This sequence change replaces asparagine, which is neutral and polar, with lysine, which is basic and polar, at codon 954 of the SLC12A5 protein (p.Asn954Lys).

NM_020708.5(SLC12A5):c.2862C>A (p.Asn954Lys)

Gene: SLC12A5 (solute carrier family 12 member 5; plus strand). Cytogenetic location: 20q13.12.
Variant type: single nucleotide variant.
Coding change: c.2862C>A on transcript NM_020708.5 (MANE Select); coding-DNA position 2862, C replaced by A.
Protein change: p.Asn954Lys; replaces asparagine 954 with lysine.
Molecular consequence: missense variant.
Genome position (GRCh38, 1-based): chr20:46,056,224, C>A. VCF-style: chr20-46056224-C-A. GRCh37 (hg19) VCF-style: chr20-44684863-C-A.
Other names: c.2931C>A, p.Asn977Lys (NM_001134771.2); short protein forms N954K, N977K.
Identifiers: ClinVar variation 643672 (VCV000643672.9), dbSNP rs754601939, ClinGen allele CA315644443.
Genomic context (GRCh38, chr20:46,056,224, plus strand): 5'-AGATGAGTCACGAGGCTCAATCCGGAGAAAGAATCCAGCCAACACGCGGCTCCGCCTGAA[C>A]GTCCCAGAAGAGACGGCTGGTGACAGTGAAGAGAAGCCAGAGGAGGAGGTGTGCAGCTTG-3'
Protein context (NP_065759.1, residues 944-964): KNPANTRLRL[Asn954Lys]VPEETAGDSE